The following is an entry in ClinVar:

ClinVar aggregate classification (germline): Uncertain significance. Review status: criteria provided, multiple submitters, no conflicts (2 of 4 stars). 3 submissions from 3 submitters: Uncertain significance (3). Last evaluated 2025-05-17.

Allele frequency attached by ClinVar (database versions not stated): ExAC 0.00001; gnomAD 0.00001; gnomAD exomes 0.00002 and 0.00004; TOPMed 0.00002.
gnomAD v4.1: 55 of 1,613,376 alleles (0.0034%); highest among the groups gnomAD compares: African/African-American, 0.0067%; no homozygotes.

Submissions (3):

Ambry Genetics
Classification: Uncertain significance. Last evaluated: 2025-05-17. Review status: criteria provided, single submitter. Criteria: Ambry Variant Classification Scheme 2023. Collection method: clinical testing. Allele origin: germline.
Comment: The p.H345L variant (also known as c.1034A>T), located in coding exon 8 of the RECQL gene, results from an A to T substitution at nucleotide position 1034. The histidine at codon 345 is replaced by leucine, an amino acid with similar properties. This amino acid position is highly conserved in available vertebrate species. In addition, this alteration is predicted to be deleterious by in silico analysis. Since supporting evidence is limited at this time, the clinical significance of this alteration remains unclear.

GeneDx
Classification: Uncertain significance. Last evaluated: 2024-09-10. Review status: criteria provided, single submitter. Criteria: GeneDx Variant Classification Process June 2021. Collection method: clinical testing. Allele origin: germline. Affected: yes.
Comment: Not observed at significant frequency in large population cohorts (gnomAD); In silico analysis supports that this missense variant has a deleterious effect on protein structure/function; Has not been previously published as pathogenic or benign to our knowledge; Variants in candidate genes are classified as variants of uncertain significance in accordance with ACMG guidelines (PMID: 25741868); This variant is associated with the following publications: (PMID: 27248010, 19151156)

Labcorp Genetics (formerly Invitae), Labcorp
Classification: Uncertain significance. Last evaluated: 2024-02-22. Review status: criteria provided, single submitter. Criteria: Invitae Variant Classification Sherloc (09022015). Collection method: clinical testing. Allele origin: germline.
Comment: This sequence change replaces histidine, which is basic and polar, with leucine, which is neutral and non-polar, at codon 345 of the RECQL protein (p.His345Leu). This variant is present in population databases (rs200764372, gnomAD 0.005%). This variant has not been reported in the literature in individuals affected with RECQL-related conditions. ClinVar contains an entry for this variant (Variation ID: 1307415). Advanced modeling of protein sequence and biophysical properties (such as structural, functional, and spatial information, amino acid conservation, physicochemical variation, residue mobility, and thermodynamic stability) performed at Invitae indicates that this missense variant is expected to disrupt RECQL protein function with a positive predictive value of 80%. In summary, the available evidence is currently insufficient to determine the role of this variant in disease. Therefore, it has been classified as a Variant of Uncertain Significance.

NM_002907.4(RECQL):c.1034A>T (p.His345Leu)

Gene: RECQL (RecQ like helicase; minus strand). Cytogenetic location: 12p12.1.
Variant type: single nucleotide variant.
Coding change: c.1034A>T on transcript NM_002907.4 (MANE Select); coding-DNA position 1034, A replaced by T.
Protein change: p.His345Leu; replaces histidine 345 with leucine.
Molecular consequence: missense variant.
Genome position (GRCh38, 1-based): chr12:21,475,740, T>A on the plus strand (A>T on the coding strand, the complement: RECQL is on the minus strand). VCF-style: chr12-21475740-T-A. GRCh37 (hg19) VCF-style: chr12-21628674-T-A.
Other names: c.1034A>T, p.His345Leu (NM_032941.3); short protein forms H345L.
Identifiers: ClinVar variation 1307415 (VCV001307415.13), dbSNP rs200764372, ClinGen allele CA6478879.
Genomic context (GRCh38, chr12:21,475,740, plus strand): 5'-ATTTCATTGGCTGACCATTTTCTATGAACTGTGGTCTTATCTTCTGGCTCCAAATTGGCA[T>A]GGTAAGCACCTGCATGAATTCCCAGATTCTGCAAACTAACCGTAACTTGTTCAGAGTCTT-3'
Protein context (NP_002898.2, residues 335-355): QNLGIHAGAY[His345Leu]ANLEPEDKTT